The following is an entry in ClinVar:

NM_016203.4(PRKAG2):c.1295C>T (p.Thr432Met)

Gene: PRKAG2 (protein kinase AMP-activated non-catalytic subunit gamma 2; minus strand). Cytogenetic location: 7q36.1.
Variant type: single nucleotide variant.
Coding change: c.1295C>T on transcript NM_016203.4 (MANE Select); coding-DNA position 1295, C replaced by T.
Protein change: p.Thr432Met; replaces threonine 432 with methionine.
Molecular consequence: missense variant.
Genome position (GRCh38, 1-based): chr7:151,565,824, G>A on the plus strand (C>T on the coding strand, the complement: PRKAG2 is on the minus strand). VCF-style: chr7-151565824-G-A. GRCh37 (hg19) VCF-style: chr7-151262910-G-A.
Other names: c.1163C>T, p.Thr388Met (NM_001040633.2); c.920C>T, p.Thr307Met (NM_001304527.2); c.572C>T, p.Thr191Met (NM_001304531.2, NM_024429.2); c.923C>T, p.Thr308Met (NM_001363698.2); short protein forms T191M, T307M, T308M, T388M, T432M.
Identifiers: ClinVar variation 1303564 (VCV001303564.10), dbSNP rs760879406, ClinGen allele CA054669.

ClinVar aggregate classification (germline): Uncertain significance. Review status: criteria provided, multiple submitters, no conflicts (2 of 4 stars). 5 submissions from 5 submitters: Uncertain significance (5). Last evaluated 2024-05-17.

Conditions:
Cardiovascular phenotype. Identifiers: MedGen CN230736.
Lethal congenital glycogen storage disease of heart. Also called: GLYCOGEN STORAGE DISEASE OF HEART; PHOSPHORYLASE KINASE DEFICIENCY OF HEART. Identifiers: Orphanet 439854, MedGen C1849813, MONDO:0009867, OMIM 261740.
Hypertrophic cardiomyopathy 6. Identifiers: MedGen C1833236, MONDO:0010946, OMIM 600858.
Wolff-Parkinson-White pattern. Also called: WPW SYNDROME; Auriculoventricular accessory pathway syndrome; False bundle branch block syndrome; Anomalous ventricular excitation syndrome. Identifiers: MedGen C0043202, MONDO:0008685, OMIM 194200, HP:0001716.
Hypertrophic cardiomyopathy. Also called: HYPERTROPHIC MYOCARDIOPATHY. Identifiers: Orphanet 217569, MedGen C0007194, MeSH D002312, MONDO:0005045, HP:0001639.

Allele frequency attached by ClinVar (database versions not stated): ExAC 0.00001; gnomAD 0.00001; gnomAD exomes 0.00001; TOPMed 0.00001.
gnomAD v4.1: 10 of 1,612,332 alleles (0.00062%); highest among the groups gnomAD compares: Non-Finnish European, 0.00076%; no homozygotes.

Submissions (5):

All of Us Research Program, National Institutes of Health
Classification: Uncertain significance for Hypertrophic cardiomyopathy. Last evaluated: 2024-05-17. Review status: criteria provided, single submitter. Criteria: ACMG Guidelines, 2015. Collection method: clinical testing. Allele origin: germline. Inheritance: Autosomal dominant inheritance. Observed: 2 variant alleles, 2 heterozygotes.
Comment: This missense variant replaces threonine with methionine at codon 432 of the PRKAG2 protein. Computational prediction suggests that this variant may have deleterious impact on protein structure and function (internally defined REVEL score threshold >= 0.7, PMID: 27666373). To our knowledge, functional studies have not been reported for this variant. This variant has been reported in an individual affected with hypertrophic cardiomyopathy (PMID: 30847666) and in another individual affected with PRKAG2-related disorders (PMID: 32646569). This variant has been identified in 2/251468 chromosomes in the general population by the Genome Aggregation Database (gnomAD). The available evidence is insufficient to determine the role of this variant in disease conclusively. Therefore, this variant is classified as a Variant of Uncertain Significance.

This study involves interpretation of variants in research participants for the purpose of population health screening. Participant phenotype was not available at the time of variant classification. Additional details can be found in publication PMID: 35346344, PMCID: PMC8962531

Labcorp Genetics (formerly Invitae), Labcorp
Classification: Uncertain significance for Lethal congenital glycogen storage disease of heart. Last evaluated: 2022-12-31. Review status: criteria provided, single submitter. Criteria: Invitae Variant Classification Sherloc (09022015). Collection method: clinical testing. Allele origin: germline.
Comment: In summary, the available evidence is currently insufficient to determine the role of this variant in disease. Therefore, it has been classified as a Variant of Uncertain Significance. Advanced modeling of protein sequence and biophysical properties (such as structural, functional, and spatial information, amino acid conservation, physicochemical variation, residue mobility, and thermodynamic stability) has been performed at Invitae for this missense variant, however the output from this modeling did not meet the statistical confidence thresholds required to predict the impact of this variant on PRKAG2 protein function. ClinVar contains an entry for this variant (Variation ID: 1303564). This missense change has been observed in individual(s) with PRKAG2-related conditions (PMID: 32646569). This variant is present in population databases (rs760879406, gnomAD 0.002%). This sequence change replaces threonine, which is neutral and polar, with methionine, which is neutral and non-polar, at codon 432 of the PRKAG2 protein (p.Thr432Met).

Fulgent Genetics
Classification: Uncertain significance for Wolff-Parkinson-White pattern; Lethal congenital glycogen storage disease of heart; Hypertrophic cardiomyopathy 6. Last evaluated: 2021-09-21. Review status: criteria provided, single submitter. Criteria: ACMG Guidelines, 2015. Collection method: clinical testing. Allele origin: unknown.

GeneDx
Classification: Uncertain significance. Last evaluated: 2021-02-11. Review status: criteria provided, single submitter. Criteria: GeneDx Variant Classification Process June 2021. Collection method: clinical testing. Allele origin: germline. Affected: yes.
Comment: Not observed at a significant frequency in large population cohorts (Lek et al., 2016); In silico analysis supports that this missense variant has a deleterious effect on protein structure/function; Has not been previously published as pathogenic or benign to our knowledge; This variant is associated with the following publications: (PMID: 32646569)

Ambry Genetics
Classification: Uncertain significance for Cardiovascular phenotype. Last evaluated: 2020-01-28. Review status: criteria provided, single submitter. Criteria: Ambry Variant Classification Scheme 2023. Collection method: clinical testing. Allele origin: germline.
Comment: The p.T432M variant (also known as c.1295C>T), located in coding exon 12 of the PRKAG2 gene, results from a C to T substitution at nucleotide position 1295. The threonine at codon 432 is replaced by methionine, an amino acid with similar properties. This amino acid position is highly conserved in available vertebrate species. In addition, this alteration is predicted to be deleterious by in silico analysis. Since supporting evidence is limited at this time, the clinical significance of this alteration remains unclear.

Literature cited by the submitters: PubMed 30847666 (cited by All of Us Research Program, National Institutes of Health); PubMed 32646569 (cited by All of Us Research Program, National Institutes of Health and Labcorp Genetics (formerly Invitae), Labcorp).